The following is an entry in ClinVar:

NM_000264.5(PTCH1):c.3678T>A (p.Ser1226Arg)

Gene: PTCH1 (patched 1; minus strand). Cytogenetic location: 9q22.32.
Variant type: single nucleotide variant.
Coding change: c.3678T>A on transcript NM_000264.5 (MANE Select); coding-DNA position 3678, T replaced by A.
Protein change: p.Ser1226Arg; replaces serine 1226 with arginine.
Molecular consequence: missense variant. On other transcripts: non-coding transcript variant (1).
Genome position (GRCh38, 1-based): chr9:95,449,195, A>T on the plus strand (T>A on the coding strand, the complement: PTCH1 is on the minus strand). VCF-style: chr9-95449195-A-T. GRCh37 (hg19) VCF-style: chr9-98211477-A-T.
Other names: c.3480T>A, p.Ser1160Arg (NM_001083602.3); c.3675T>A, p.Ser1225Arg (NM_001083603.3); c.3225T>A, p.Ser1075Arg (NM_001083604.3, NM_001083605.3, NM_001083606.3 and 1 more transcripts); c.3522T>A, p.Ser1174Arg (NM_001354918.2); short protein forms S1075R, S1174R, S1225R, S1160R, S1226R.
Identifiers: ClinVar variation 3784652 (VCV003784652.1).

ClinVar aggregate classification (germline): Uncertain significance (1 of 4 stars; one submission).

Conditions:
Hereditary cancer-predisposing syndrome. Also called: Neoplastic Syndromes, Hereditary; Hereditary Cancer Syndrome; Tumor predisposition; Hereditary neoplastic syndrome. Identifiers: Orphanet 140162, MedGen C0027672, MeSH D009386, MONDO:0015356.

Submission:

Ambry Genetics
Classification: Uncertain significance for Hereditary cancer-predisposing syndrome. Last evaluated: 2025-02-02. Review status: criteria provided, single submitter. Criteria: Ambry Variant Classification Scheme 2023. Collection method: clinical testing. Allele origin: germline.
Comment: The p.S1226R variant (also known as c.3678T>A), located in coding exon 22 of the PTCH1 gene, results from a T to A substitution at nucleotide position 3678. The serine at codon 1226 is replaced by arginine, an amino acid with dissimilar properties. This amino acid position is conserved. In addition, the in silico prediction for this alteration is inconclusive. Based on the available evidence, the clinical significance of this variant remains unclear.